The following is an entry in ClinVar:

NC_000006.11:g.(162622285_162683556)_(162864506_163148693)dup

Genes: PACRG (parkin coregulated; plus strand), PRKN (parkin RBR E3 ubiquitin protein ligase; minus strand). Cytogenetic location: 6q26.
Variant type: Duplication.
Identifiers: ClinVar variation 3233879 (VCV003233879.2).

ClinVar aggregate classification (germline): Uncertain significance (1 of 4 stars; one submission).

Submission:

Women's Health and Genetics/Laboratory Corporation of America, LabCorp
Classification: Uncertain significance. Last evaluated: 2024-03-19. Review status: criteria provided, single submitter. Criteria: LabCorp Variant Classification Summary - May 2015. Collection method: clinical testing. Allele origin: germline.
Comment: Variant summary: The variant involves the duplication of exons 2-3 in the PRKN gene. It is assumed to be a tandem duplication in direct orientation (PMIDs: 25640679, 30054569). This Copy Number Variant (CNV) is predicted to result in an in-frame duplication within this gene. A presumed nomenclature of c.(7+1_8-1)_(412+1_413-1)dup has been designated for the purposes of this classification. Similar variant allele was found at a frequency of 4.6e-05 in 21692 control chromosomes (gnomAD, Structural Variants Dataset). The available data on variant occurrences in the general population are insufficient to allow any conclusion about variant significance. c.(7+1_8-1)_(412+1_413-1)dup has been reported in the literature in individuals affected with Autosomal Recessive Parkinson Disease/Early-Onset Parkinsons Disease (examples: Periquet_2003, Lesage_2020, Hua_2022) and Autism (Yin_2016). However, only one of these individuals had an informative genotype (Hua_2022). Therefore, these publications do not allow any conclusion about variant significance. To our knowledge, no experimental evidence demonstrating an impact on protein function has been reported. ClinVar contains an entry for this variant (Variation ID: 583436). Based on the evidence outlined above, the variant was classified as uncertain significance.

Literature cited by the submitters: PubMed 33045815; PubMed 12764050; PubMed 35645773; PubMed 27042285.